The following is an entry in ClinVar:

ClinVar aggregate classification (germline): Uncertain significance (1 of 4 stars; one submission).

Allele frequency attached by ClinVar (database versions not stated): gnomAD 0.00003; gnomAD exomes 0.00003; TOPMed 0.00003.

Submission:

Labcorp Genetics (formerly Invitae), Labcorp
Classification: Uncertain significance. Last evaluated: 2023-05-08. Review status: criteria provided, single submitter. Criteria: Invitae Variant Classification Sherloc (09022015). Collection method: clinical testing. Allele origin: germline.
Comment: An algorithm developed to predict the effect of missense changes on protein structure and function (PolyPhen-2) suggests that this variant is likely to be disruptive. In summary, the available evidence is currently insufficient to determine the role of this variant in disease. Therefore, it has been classified as a Variant of Uncertain Significance. ClinVar contains an entry for this variant (Variation ID: 850672). This variant has not been reported in the literature in individuals affected with CTF1-related conditions. The frequency data for this variant in the population databases is considered unreliable, as metrics indicate poor data quality at this position in the gnomAD database. This sequence change replaces glycine, which is neutral and non-polar, with alanine, which is neutral and non-polar, at codon 166 of the CTF1 protein (p.Gly166Ala).

NM_001330.5(CTF1):c.497G>C (p.Gly166Ala)

Genes: CTF1 (cardiotrophin 1; plus strand), LOC130058878 (ATAC-STARR-seq lymphoblastoid silent region 7400; plus strand). Cytogenetic location: 16p11.2.
Variant type: single nucleotide variant.
Coding change: c.497G>C on transcript NM_001330.5 (MANE Select); coding-DNA position 497, G replaced by C.
Protein change: p.Gly166Ala; replaces glycine 166 with alanine.
Molecular consequence: missense variant. On other transcripts: non-coding transcript variant (1).
Genome position (GRCh38, 1-based): chr16:30,902,430, G>C. VCF-style: chr16-30902430-G-C. GRCh37 (hg19) VCF-style: chr16-30913751-G-C.
Other names: c.494G>C, p.Gly165Ala (NM_001142544.3); short protein forms G165A, G166A.
Identifiers: ClinVar variation 850672 (VCV000850672.10), dbSNP rs1053768184, ClinGen allele CA280531304.